The following is an entry in ClinVar:

ClinVar aggregate classification (germline): Pathogenic (1 of 4 stars; one submission).

Conditions:
Familial intrahepatic cholestasis. Identifiers: Orphanet 284385, MedGen CN296401, MONDO:0017290.

Submission:

Genomenon, Inc
Classification: Pathogenic for Familial intrahepatic cholestasis. Last evaluated: 2026-04-14. Review status: criteria provided, single submitter. Criteria: Genomenon Sequence Variant Interpretation Standards - Updated. Collection method: curation. Allele origin: germline. Affected: yes.
Comment: ATP8B1 c.627+1G>A is a canonical splice variant affecting the donor splice site of intron 7. It is predicted to affect mRNA splicing, leading to a deleterious effect on the ATP8B1 protein. This variant has been observed in at least one proband with features of ATP8B1-deficiency (PMID:37168916). It is absent or not present at a significant frequency in gnomAD. In conclusion, we classify ATP8B1 c.627+1G>A as a pathogenic variant.

Literature cited by the submitters: PubMed 37168916.

NM_001374385.1(ATP8B1):c.627+1G>A

Gene: ATP8B1 (ATPase phospholipid transporting 8B1; minus strand). Cytogenetic location: 18q21.31.
Variant type: single nucleotide variant.
Coding change: c.627+1G>A on transcript NM_001374385.1 (MANE Select); the canonical splice donor site of the intron after coding-DNA position 627, G replaced by A.
Molecular consequence: splice donor variant.
Genome position (GRCh38, 1-based): chr18:57,697,794, C>T on the plus strand (G>A on the coding strand, the complement: ATP8B1 is on the minus strand). VCF-style: chr18-57697794-C-T. GRCh37 (hg19) VCF-style: chr18-55365026-C-T.
Other names: c.627+1G>A (NM_005603.6); c.477+1G>A (NM_001374386.1).
Identifiers: ClinVar variation 4846499 (VCV004846499.1).